The following is an entry in ClinVar:

ClinVar aggregate classification (germline): Conflicting classifications of pathogenicity. Review status: criteria provided, conflicting classifications (1 of 4 stars). 6 submissions from 5 submitters: Uncertain significance (2); Likely benign (4). Last evaluated 2025-08-01.

Conditions:
Autosomal recessive nonsyndromic hearing loss 37. Identifiers: Orphanet 90636, MedGen C1843028, MONDO:0011912, OMIM 607821.
Autosomal dominant nonsyndromic hearing loss 22. Also called: DFNA 22; Autosomal dominant nonsyndromic deafness 22. Identifiers: Orphanet 228012, MedGen C2931767, MONDO:0011660, OMIM 606346.

Allele frequency attached by ClinVar (database versions not stated): ExAC 0.00010; gnomAD exomes 0.00010 and 0.00017; gnomAD 0.00011 and 0.00012; TOPMed 0.00015; 1000 Genomes Project 30x 0.00016; 1000 Genomes Project 0.00020; ESP Exome Variant Server 0.00038.
gnomAD v4.1: 257 of 1,613,766 alleles (0.016%); highest among the groups gnomAD compares: Non-Finnish European, 0.021%; no homozygotes.

Submissions (6):

CeGaT Center for Human Genetics Tuebingen
Classification: Likely benign. Last evaluated: 2025-08-01. Review status: criteria provided, single submitter. Criteria: CeGaT Center For Human Genetics Tuebingen Variant Classification Criteria Version 2. Collection method: clinical testing. Allele origin: germline. Affected: yes. Observed: 1 variant allele.
Comment: MYO6: BP4, BP7

Labcorp Genetics (formerly Invitae), Labcorp
Classification: Likely benign. Last evaluated: 2025-05-18. Review status: criteria provided, single submitter. Criteria: Invitae Variant Classification Sherloc (09022015). Collection method: clinical testing. Allele origin: germline.

Blueprint Genetics
Classification: Likely benign. Last evaluated: 2024-03-02. Review status: criteria provided, single submitter. Criteria: ACMG Guidelines, 2015. Collection method: clinical testing. Allele origin: germline.

Illumina Laboratory Services, Illumina
Classification: Uncertain significance for Autosomal dominant nonsyndromic hearing loss 22. Last evaluated: 2018-01-12. Review status: criteria provided, single submitter. Criteria: ICSL Variant Classification Criteria 13 December 2019. Collection method: clinical testing. Allele origin: germline.

Illumina Laboratory Services, Illumina
Classification: Uncertain significance for Autosomal recessive nonsyndromic hearing loss 37. Last evaluated: 2018-01-12. Review status: criteria provided, single submitter. Criteria: ICSL Variant Classification Criteria 13 December 2019. Collection method: clinical testing. Allele origin: germline.

Laboratory for Molecular Medicine, Mass General Brigham Personalized Medicine
Classification: Likely benign. Last evaluated: 2012-05-07. Review status: criteria provided, single submitter. Criteria: LMM Criteria. Collection method: clinical testing. Allele origin: germline. Observed: 1 variant allele.
Comment: Asn200Asn in exon 8 of MYO6: This variant has been identified in 3/7020 (0.04%) European American chromosomes from a broad population by the NHLBI Exome sequenc ing project (dbSNP rs145665265). It is not ex pected to have clinical significance because it does not alter an amino acid res idue and is not located within the splice consensus sequence.

NM_004999.4(MYO6):c.600C>T (p.Asn200=)

Gene: MYO6 (myosin VI; plus strand). Cytogenetic location: 6q14.1.
Variant type: single nucleotide variant.
Coding change: c.600C>T on transcript NM_004999.4 (MANE Select); coding-DNA position 600, C replaced by T.
Protein change: p.Asn200=; no amino-acid change (asparagine 200 retained).
Molecular consequence: synonymous variant. On other transcripts: non-coding transcript variant (2).
Genome position (GRCh38, 1-based): chr6:75,840,631, C>T. VCF-style: chr6-75840631-C-T. GRCh37 (hg19) VCF-style: chr6-76550348-C-T.
Other names: c.600C>T, p.Asn200= (NM_001300899.2, NM_001368136.1, NM_001368137.1 and 4 more transcripts); c.585C>T, p.Asn195= (NM_001368138.1).
Identifiers: ClinVar variation 45166 (VCV000045166.25), dbSNP rs145665265, ClinGen allele CA135646.